The following is an entry in ClinVar:

NM_001943.5(DSG2):c.146G>A (p.Arg49His)

Gene: DSG2 (desmoglein 2; plus strand). Cytogenetic location: 18q12.1.
Variant type: single nucleotide variant.
Coding change: c.146G>A on transcript NM_001943.5 (MANE Select); coding-DNA position 146, G replaced by A.
Protein change: p.Arg49His; replaces arginine 49 with histidine.
Molecular consequence: missense variant.
Genome position (GRCh38, 1-based): chr18:31,519,867, G>A. VCF-style: chr18-31519867-G-A. GRCh37 (hg19) VCF-style: chr18-29099830-G-A.
Other names: p.R49H:CGC>CAC; p.R49H; c.146G>A (NM_001943.4); short protein forms R49H.
Identifiers: ClinVar variation 16810 (VCV000016810.27), dbSNP rs121913006, ClinGen allele CA021393.
Genomic context (GRCh38, chr18:31,519,867, plus strand): 5'-TAAGCACAAGAAATGAAAATAAGCTGCTTCCTAAACATCCTCATTTAGTGCGGCAAAAGC[G>A]CGCCTGGATCACCGCCCCCGTGGCTCTTCGGGAGGGAGAGGATCTGTCCAAGAAGAATCC-3'
Protein context (NP_001934.2, residues 39-59): PKHPHLVRQK[Arg49His]AWITAPVALR

ClinVar aggregate classification (germline): Pathogenic/Likely pathogenic. Review status: criteria provided, multiple submitters, no conflicts (2 of 4 stars). 11 submissions from 11 submitters: Pathogenic (9); Likely pathogenic (1). 1 of the submissions does not count toward it. Last evaluated 2026-05-08.

Conditions:
DSG2-related disorders.
Cardiovascular phenotype. Identifiers: MedGen CN230736.
Arrhythmogenic right ventricular cardiomyopathy (ARVD). Also called: Arrhythmogenic right ventricular dysplasia; Arrhythmogenic cardiomyopathy; Arrhythmogenic Right Ventricular Cardiomyopathy (ARVC); Cardiomyopathy, ARVC. Identifiers: Orphanet 247, MedGen C0349788, MeSH D019571, MONDO:0016587. Disease mechanism: loss of function. Inheritance: Various modes of inheritance.
Arrhythmogenic right ventricular dysplasia 10. Also called: Arrhythmogenic Right Ventricular Dysplasia/Cardiomyopathy10; ARRHYTHMOGENIC RIGHT VENTRICULAR DYSPLASIA, FAMILIAL, 10; Arrhythmogenic right ventricular dysplasia/cardiomyopathy, type 10. Identifiers: MedGen C1857777, MONDO:0012434, OMIM 610193.
Arrhythmogenic right ventricular dysplasia 9 (ARVD9). Also called: Arrhythmogenic Right Ventricular Dysplasia/Cardiomyopathy 9; ARRHYTHMOGENIC RIGHT VENTRICULAR DYSPLASIA, FAMILIAL, 9. Identifiers: MedGen C1836906, MONDO:0012180, OMIM 609040.

Allele frequency attached by ClinVar (database versions not stated): gnomAD exomes below 0.00001 and 0.00001; ExAC 0.00001.
gnomAD v4.1: 9 of 1,614,104 alleles (0.00056%); highest among the groups gnomAD compares: Non-Finnish European, 0.00068%; no homozygotes.

Submissions (11):

Ambry Genetics
Classification: Pathogenic for Cardiovascular phenotype. Last evaluated: 2026-05-08. Review status: criteria provided, single submitter. Criteria: Ambry Variant Classification Scheme 2023. Collection method: clinical testing. Allele origin: germline.
Comment: The p.R49H pathogenic mutation (also known as c.146G>A), located in coding exon 3 of the DSG2 gene, results from a G to A substitution at nucleotide position 146. The arginine at codon 49 is replaced by histidine, an amino acid with highly similar properties. This variant was reported in multiple individual(s) with features consistent with arrhythmogenic right ventricular cardiomyopathy; in at least one individual, it was determined to be de novo (Awad MM et al. Am J Hum Genet, 2006 Jul;79:136-42; Gandjbakhch E et al. Europace, 2009 Mar;11:379-81; Chu YQ et al. Front Pediatr, 2020 Oct;8:481330; Goudal A et al. Hum Mutat, 2022 Sep;43:1333-1342). Note, this variant is also referred to as p.R48H in the literature. This amino acid position is highly conserved in available vertebrate species. In addition, this alteration is predicted to be deleterious by in silico analysis. This variant is considered to be rare based on population cohorts in the Genome Aggregation Database (gnomAD). Based on the supporting evidence, this variant is interpreted as a disease-causing mutation.

CeGaT Center for Human Genetics Tuebingen
Classification: Pathogenic. Last evaluated: 2025-12-01. Review status: criteria provided, single submitter. Criteria: CeGaT Center For Human Genetics Tuebingen Variant Classification Criteria Version 2. Collection method: clinical testing. Allele origin: germline. Affected: yes. Observed: 1 variant allele.
Comment: DSG2: PM1, PM2, PM5, PM6, PP1:Moderate, PS4:Moderate, PS3:Supporting

Labcorp Genetics (formerly Invitae), Labcorp
Classification: Pathogenic for Arrhythmogenic right ventricular dysplasia 10. Last evaluated: 2025-11-24. Review status: criteria provided, single submitter. Criteria: Invitae Variant Classification Sherloc (09022015). Collection method: clinical testing. Allele origin: germline.
Comment: This sequence change replaces arginine, which is basic and polar, with histidine, which is basic and polar, at codon 49 of the DSG2 protein (p.Arg49His). This variant is present in population databases (rs121913006, gnomAD 0.0009%). This missense change has been observed in individual(s) with arrhythmogenic right ventricular cardiomyopathy (PMID: 19151369, 19863551, 20400443). In at least one individual the variant was observed to be de novo. This variant is also known as R48H. ClinVar contains an entry for this variant (Variation ID: 16810). Invitae Evidence Modeling of protein sequence and biophysical properties (such as structural, functional, and spatial information, amino acid conservation, physicochemical variation, residue mobility, and thermodynamic stability) has been performed for this missense variant. However, the output from this modeling did not meet the statistical confidence thresholds required to predict the impact of this variant on DSG2 protein function. For these reasons, this variant has been classified as Pathogenic.

Molecular Diagnostic Laboratory for Inherited Cardiovascular Disease, Montreal Heart Institute
Classification: Pathogenic for Cardiovascular phenotype. Last evaluated: 2025-03-05. Review status: criteria provided, single submitter. Criteria: ACMG Guidelines, 2015. Collection method: clinical testing. Allele origin: germline. Affected: yes.
Comment: PS2, PS4_mod, PM1, PM2, PP1_mod, PS3_supp, PP3

GeneDx
Classification: Pathogenic. Last evaluated: 2024-12-16. Review status: criteria provided, single submitter. Criteria: GeneDx Variant Classification Process June 2021. Collection method: clinical testing. Allele origin: germline. Affected: yes.
Comment: Functional studies show R49H abolishes pro-peptide cleavage and affects desmosomal adhesiveness (PMID: 31845994); In silico analysis supports that this missense variant has a deleterious effect on protein structure/function; Not observed at significant frequency in large population cohorts (gnomAD); This variant is associated with the following publications: (PMID: 29237690, 23671136, 20152563, 16773573, 20400443, 27532257, 28283360, 19863551, 25820315, 20031617, 20857253, 36175056, 36252119, 36264615, 31447099, 32268277, 31645976, 32356610, 31402444, 35819174, 30790397, 19151369, 31845994)

All of Us Research Program, National Institutes of Health
Classification: Pathogenic for Arrhythmogenic right ventricular cardiomyopathy. Last evaluated: 2023-12-11. Review status: criteria provided, single submitter. Criteria: ACMG Guidelines, 2015. Collection method: clinical testing. Allele origin: germline. Inheritance: Autosomal dominant inheritance. Observed: 1 variant allele, 1 heterozygote.
Comment: Both parents were negative for the change, suggesting that this variant arises de novo in the patient. The p.Trp305* was inherited from the asymptomatic mother and also present in one sibling, also asymptomatic. The father was not available for testing. The variant is located in the propeptide domain, in the furin cleavage site and is hypothesized to disrupt the production of the mature protein. This variant has been observed in one heterozygous individual from the ExAC database. Arginine at position 49 of the DSG2 protein is highly conserved. While not clinically validated, computer-based algorithms SIFT and Polyphen2 predict this p.Arg49His change to be deleterious. It is thus interpreted as a pathogenic variant.

This study involves interpretation of variants in research participants for the purpose of population health screening. Participant phenotype was not available at the time of variant classification. Additional details can be found in publication PMID: 35346344, PMCID: PMC8962531

Blueprint Genetics
Classification: Pathogenic for DSG2-related disorders. Last evaluated: 2023-02-09. Review status: criteria provided, single submitter. Criteria: ACMG Guidelines, 2015. Collection method: clinical testing. Allele origin: germline. Affected: yes. Observed: 5 variant alleles.

Petrovsky National Research Centre of Surgery, The Federal Agency for Scientific Organizations
Classification: Pathogenic for Arrhythmogenic right ventricular dysplasia 9. Last evaluated: 2022-06-03. Review status: criteria provided, single submitter. Criteria: ACMG Guidelines, 2015. Collection method: clinical testing. Allele origin: germline. Inheritance: Autosomal dominant inheritance. Affected: yes. Observed: 1 heterozygote.
Comment: ClinVar contains an entry for this variant (Variation ID: 16810) observed in individual(s) with arrhythmogenic right ventricular cardiomyopathy (PMID: 16773573‚ 19151369‚ 20152563‚ 20400443‚ 19863551‚ 20031617‚ 23671136‚ 28283360‚ 25820315‚ 20857253). Online bioinformatic resources classify the c.146G>A (p.R49H) variant as probably pathogenic. The p.R49H variant predicted to abolish a cleavage motif Arg-X-Lys-Arg (RXKR) in desmoglein, disrupting production of mature, functional protein (Awad et al., 2006). Functional studies show the c.146G>A (p.R49H) variant abolishes pro-peptide cleavage and affects desmosomal adhesiveness (Vite et al., 2020). For these reasons, this variant has been classified as Pathogenic.

Laboratory for Molecular Medicine, Mass General Brigham Personalized Medicine
Classification: Likely pathogenic for Arrhythmogenic right ventricular cardiomyopathy. Last evaluated: 2019-01-31. Review status: criteria provided, single submitter. Criteria: LMM Criteria. Collection method: clinical testing. Allele origin: germline. Inheritance: Autosomal dominant inheritance. Observed: 1 variant allele.
Comment: The p.Arg49His variant in DSG2 has been reported in > 10 individuals with clinical features of ARVC, including 1 de novo and 2 compound heterozygous occurrences (Awad 2006, den Haan 2009, Gandjbakhch 2009, Fressart 2010, Barahona-Dussault 2010, Tan 2010, Xu 2010, Gaido 2017, Walsh 2017). Additionally, the variant segregated with disease in 2 affected relatives from 1 family (Gaido, 2017). This variant has also been reported in ClinVar (Variation ID 16810) and has been identified in 1/113204 European chromosomes by the Genome Aggregation Database (gnomAD). Computational prediction tools and conservation analysis suggest that the p.Arg49His variant may impact the protein, though this information is not predictive enough to determine pathogenicity. In summary, although additional studies are required to fully establish its clinical significance, the p.Arg49His variant is likely pathogenic. ACMG/ AMP Criteria applied: PS2, PM2, PS4_Moderate, PP3.

Human Genome Sequencing Center Clinical Lab, Baylor College of Medicine
Classification: Pathogenic for Arrhythmogenic right ventricular dysplasia 10. Last evaluated: 2017-06-06. Review status: criteria provided, single submitter. Criteria: ACMG Guidelines, 2015. Collection method: clinical testing. Allele origin: germline.
Comment: Both parents were negative for the change, suggesting that this variant arises de novo in the patient. The trp305* was inherited from the asymptomatic mother and also present in one sibling, also asymptomatic. The father was not available for testing. The variant is located in the propeptide domain, in the furin cleavage site and is hypothesized to disrupt the production of the mature protein. This variant has been observed in one heterozygous individual from the ExAC database. Arginine at position 49 of the DSG2 protein is highly conserved. While not clinically validated, computer-based algorithms SIFT and Polyphen2 predict this p.Arg49His change to be deleterious. It is thus interpreted as a pathogenic variant.

OMIM
Classification: Pathogenic for ARRHYTHMOGENIC RIGHT VENTRICULAR DYSPLASIA, FAMILIAL, 10. Last evaluated: 2006-07-01. Review status: no assertion criteria provided. Collection method: literature only. Allele origin: germline. Not counted in ClinVar's aggregate classification.

Literature cited by the submitters: PubMed 16773573 (cited by 3 submitters); PubMed 19151369 (cited by 3 submitters); PubMed 33194879 (cited by Ambry Genetics); PubMed 35819174 (cited by Ambry Genetics); PubMed 19863551 (cited by Labcorp Genetics (formerly Invitae), Labcorp and Laboratory for Molecular Medicine, Mass General Brigham Personalized Medicine); PubMed 20400443 (cited by Labcorp Genetics (formerly Invitae), Labcorp and Laboratory for Molecular Medicine, Mass General Brigham Personalized Medicine); PubMed 20152563 (cited by Laboratory for Molecular Medicine, Mass General Brigham Personalized Medicine); PubMed 20031617 (cited by Laboratory for Molecular Medicine, Mass General Brigham Personalized Medicine); PubMed 23671136 (cited by Laboratory for Molecular Medicine, Mass General Brigham Personalized Medicine); PubMed 28283360 (cited by Laboratory for Molecular Medicine, Mass General Brigham Personalized Medicine); PubMed 25820315 (cited by Laboratory for Molecular Medicine, Mass General Brigham Personalized Medicine); PubMed 20857253 (cited by Laboratory for Molecular Medicine, Mass General Brigham Personalized Medicine).